The following is an entry in ClinVar:

NM_000018.4(ACADVL):c.506T>C (p.Met169Thr)

Gene: ACADVL (acyl-CoA dehydrogenase very long chain; plus strand). Cytogenetic location: 17p13.1.
Variant type: single nucleotide variant.
Coding change: c.506T>C on transcript NM_000018.4 (MANE Select); coding-DNA position 506, T replaced by C.
Protein change: p.Met169Thr; replaces methionine 169 with threonine.
Molecular consequence: missense variant.
Genome position (GRCh38, 1-based): chr17:7,221,566, T>C. VCF-style: chr17-7221566-T-C. GRCh37 (hg19) VCF-style: chr17-7124885-T-C.
Other names: c.440T>C, p.Met147Thr (NM_001033859.3); c.575T>C, p.Met192Thr (NM_001270447.2); c.278T>C, p.Met93Thr (NM_001270448.2); short protein forms M93T, M192T, M147T, M169T.
Identifiers: ClinVar variation 858025 (VCV000858025.11), dbSNP rs1382262076, ClinGen allele CA397723053.

ClinVar aggregate classification (germline): Uncertain significance. Review status: criteria provided, single submitter (1 of 4 stars). 2 submissions from 2 submitters: Uncertain significance (1). 1 of the submissions does not count toward it. Last evaluated 2022-05-06.

Conditions:
Very long chain acyl-CoA dehydrogenase deficiency (ACADVLD). Also called: Very Long-Chain Acyl-Coenzyme A Dehydrogenase Deficiency; VLCAD Deficiency. Identifiers: Orphanet 26793, MedGen C3887523, MONDO:0008723, OMIM 201475.

Allele frequency attached by ClinVar (database versions not stated): gnomAD exomes below 0.00001 and 0.00001.

Submissions (2):

Labcorp Genetics (formerly Invitae), Labcorp
Classification: Uncertain significance for Very long chain acyl-CoA dehydrogenase deficiency. Last evaluated: 2022-05-06. Review status: criteria provided, single submitter. Criteria: Invitae Variant Classification Sherloc (09022015). Collection method: clinical testing. Allele origin: germline.
Comment: Algorithms developed to predict the effect of missense changes on protein structure and function output the following: SIFT: "Tolerated"; PolyPhen-2: "Benign"; Align-GVGD: "Class C0". The threonine amino acid residue is found in multiple mammalian species, which suggests that this missense change does not adversely affect protein function. In summary, the available evidence is currently insufficient to determine the role of this variant in disease. Therefore, it has been classified as a Variant of Uncertain Significance. ClinVar contains an entry for this variant (Variation ID: 858025). This missense change has been observed in individual(s) with VLCAD deficiency (PMID: 33996489). This variant is present in population databases (no rsID available, gnomAD 0.006%). This sequence change replaces methionine, which is neutral and non-polar, with threonine, which is neutral and polar, at codon 169 of the ACADVL protein (p.Met169Thr).

Natera, Inc.
Classification: Uncertain significance for Very long chain acyl-CoA dehydrogenase deficiency. Last evaluated: 2020-03-20. Review status: no assertion criteria provided. Collection method: clinical testing. Allele origin: germline. Not counted in ClinVar's aggregate classification.

Literature cited by the submitters: PubMed 33996489 (cited by Labcorp Genetics (formerly Invitae), Labcorp).